The following is an entry in ClinVar:

ClinVar aggregate classification (germline): Conflicting classifications of pathogenicity. Review status: criteria provided, conflicting classifications (1 of 4 stars). 5 submissions from 5 submitters: Likely pathogenic (2); Uncertain significance (3). Last evaluated 2025-12-03.

Conditions:
Inborn genetic diseases. Identifiers: MedGen C0950123, MeSH D030342.

Allele frequency attached by ClinVar (database versions not stated): ESP Exome Variant Server 0.00008; 1000 Genomes Project 30x 0.00016; 1000 Genomes Project 0.00020; gnomAD 0.00024 and 0.00023; ExAC 0.00005; gnomAD exomes 0.00006 and 0.00003; TOPMed 0.00023.
gnomAD v4.1: 76 of 1,614,274 alleles (0.0047%); highest among the groups gnomAD compares: African/African-American, 0.08%; no homozygotes.

Submissions (5):

GeneDx
Classification: Likely pathogenic. Last evaluated: 2025-12-03. Review status: criteria provided, single submitter. Criteria: GeneDx Variant Classification Process June 2021. Collection method: clinical testing. Allele origin: germline. Affected: yes.
Comment: In silico analysis supports that this missense variant has a deleterious effect on protein structure/function; This variant is associated with the following publications: (PMID: 28554332)

Women's Health and Genetics/Laboratory Corporation of America, LabCorp
Classification: Uncertain significance. Last evaluated: 2023-09-28. Review status: criteria provided, single submitter. Criteria: LabCorp Variant Classification Summary - May 2015. Collection method: clinical testing. Allele origin: germline.
Comment: Variant summary: WARS2 c.791A>G (p.Tyr264Cys) results in a non-conservative amino acid change in the encoded protein sequence. Four of five in-silico tools predict a damaging effect of the variant on protein function. The variant allele was found at a frequency of 6.4e-05 in 250944 control chromosomes (gnomAD). c.791A>G has been reported in the literature in an individual affected with WARS2-Related Disorders who was reported as compound heterozygous with a likely pathogenic variant (Bowling_2017). These data suggest the variant may be associated with disease. To our knowledge, no experimental evidence demonstrating an impact on protein function has been reported. The following publication has been ascertained in the context of this evaluation (PMID: 28554332). Four submitters have cited clinical-significance assessments for this variant to ClinVar after 2014, and classified it as uncertain significance (n=3) or likely pathogenic (n=1). Based on the evidence outlined above, the variant was classified as VUS-possibly pathogenic.

Labcorp Genetics (formerly Invitae), Labcorp
Classification: Uncertain significance. Last evaluated: 2022-06-28. Review status: criteria provided, single submitter. Criteria: Invitae Variant Classification Sherloc (09022015). Collection method: clinical testing. Allele origin: germline.
Comment: This sequence change replaces tyrosine, which is neutral and polar, with cysteine, which is neutral and slightly polar, at codon 264 of the WARS2 protein (p.Tyr264Cys). This variant is present in population databases (rs139194636, gnomAD 0.09%). This missense change has been observed in individual(s) with clinical features of WARS2-related leukoencephalopathy (PMID: 28554332). ClinVar contains an entry for this variant (Variation ID: 224151). Algorithms developed to predict the effect of missense changes on protein structure and function (SIFT, PolyPhen-2, Align-GVGD) all suggest that this variant is likely to be disruptive. In summary, the available evidence is currently insufficient to determine the role of this variant in disease. Therefore, it has been classified as a Variant of Uncertain Significance.

Ambry Genetics
Classification: Uncertain significance for Inborn genetic diseases. Last evaluated: 2021-09-24. Review status: criteria provided, single submitter. Criteria: Ambry Variant Classification Scheme 2023. Collection method: clinical testing. Allele origin: germline.

HudsonAlpha Institute for Biotechnology
Classification: Likely pathogenic. Last evaluated: 2015-12-10. Review status: criteria provided, single submitter. Criteria: HA_assertions_20161101. Collection method: research. Allele origin: paternal. Affected: yes. Observed: 1 variant allele. Study: CSER-HudsonAlpha.

Literature cited by the submitters: PubMed 28554332 (cited by Women's Health and Genetics/Laboratory Corporation of America, LabCorp and Labcorp Genetics (formerly Invitae), Labcorp).

NM_015836.4(WARS2):c.791A>G (p.Tyr264Cys)

Gene: WARS2 (tryptophanyl tRNA synthetase 2, mitochondrial; minus strand). Cytogenetic location: 1p12.
Variant type: single nucleotide variant.
Coding change: c.791A>G on transcript NM_015836.4 (MANE Select); coding-DNA position 791, A replaced by G.
Protein change: p.Tyr264Cys; replaces tyrosine 264 with cysteine.
Molecular consequence: missense variant. On other transcripts: 3 prime UTR variant (2).
Genome position (GRCh38, 1-based): chr1:119,033,203, T>C on the plus strand (A>G on the coding strand, the complement: WARS2 is on the minus strand). VCF-style: chr1-119033203-T-C. GRCh37 (hg19) VCF-style: chr1-119575826-T-C.
Other names: c.620A>G, p.Tyr207Cys (NM_001378228.1); c.533A>G, p.Tyr178Cys (NM_001378229.1); c.509A>G, p.Tyr170Cys (NM_001378230.1); c.*126A>G (NM_001378231.1); c.*157A>G (NM_201263.2); c.722A>G, p.Tyr241Cys (NM_001378226.1, NM_001378227.1); short protein forms Y264C, Y170C, Y178C, Y207C, Y241C.
Identifiers: ClinVar variation 224151 (VCV000224151.10), dbSNP rs139194636, ClinGen allele CA354975.
Genomic context (GRCh38, chr1:119,033,203, plus strand): 5'-CCCGTCACCGCGGCATGCACCGCCACTATGTTGGACACGCCAGCGCGGCCAGCCGGGTCA[T>C]AGGTGACCTCCGAGGTGAAGTCTGTCACAGCCTTGCGGAATTTCTGCACTATCTCCTCTG-3'
Protein context (NP_056651.1, residues 254-274): AVTDFTSEVT[Tyr264Cys]DPAGRAGVSN